The following is an entry in ClinVar:

NM_002018.4(FLII):c.3513C>T (p.Asn1171=)

Gene: FLII (FLII actin remodeling protein; minus strand). Cytogenetic location: 17p11.2.
Variant type: single nucleotide variant.
Coding change: c.3513C>T on transcript NM_002018.4 (MANE Select); coding-DNA position 3513, C replaced by T.
Protein change: p.Asn1171=; no amino-acid change (asparagine 1171 retained).
Molecular consequence: synonymous variant.
Genome position (GRCh38, 1-based): chr17:18,245,651, G>A on the plus strand (C>T on the coding strand, the complement: FLII is on the minus strand). VCF-style: chr17-18245651-G-A. GRCh37 (hg19) VCF-style: chr17-18148965-G-A.
Other names: c.3480C>T, p.Asn1160= (NM_001256264.2); c.3348C>T, p.Asn1116= (NM_001256265.2).
Identifiers: ClinVar variation 717787 (VCV000717787.29), dbSNP rs77506546, ClinGen allele CA8427634.

ClinVar aggregate classification (germline): Likely benign. Review status: criteria provided, multiple submitters, no conflicts (2 of 4 stars). 3 submissions from 3 submitters: Likely benign (3). Last evaluated 2026-01-01.

Allele frequency attached by ClinVar (database versions not stated): ESP Exome Variant Server 0.00115; ExAC 0.00119; gnomAD 0.00125 and 0.00127; 1000 Genomes Project 0.00140; gnomAD exomes 0.00142; TOPMed 0.00171; 1000 Genomes Project 30x 0.00172.
gnomAD v4.1: 2,066 of 1,613,670 alleles (0.13%); highest among the groups gnomAD compares: Middle Eastern, 1%; 3 homozygotes.

Submissions (3):

CeGaT Center for Human Genetics Tuebingen
Classification: Likely benign. Last evaluated: 2026-01-01. Review status: criteria provided, single submitter. Criteria: CeGaT Center For Human Genetics Tuebingen Variant Classification Criteria Version 2. Collection method: clinical testing. Allele origin: germline. Affected: yes. Observed: 5 variant alleles.
Comment: FLII: BP4, BP7

Labcorp Genetics (formerly Invitae), Labcorp
Classification: Likely benign. Last evaluated: 2019-12-31. Review status: criteria provided, single submitter. Criteria: Invitae Variant Classification Sherloc (09022015). Collection method: clinical testing. Allele origin: germline.

Breakthrough Genomics
Classification: Likely benign. Review status: criteria provided, single submitter. Criteria: ACMG Guidelines, 2015. Collection method: not provided. Allele origin: germline. Inheritance: Unknown mechanism. Affected: yes.